The following is an entry in ClinVar:

NM_014956.5(CEP164):c.3193del (p.Asp1065fs)

Gene: CEP164 (centrosomal protein 164; plus strand). Cytogenetic location: 11q23.3.
Variant type: Deletion.
Coding change: c.3193del on transcript NM_014956.5 (MANE Select); coding-DNA position 3193, one base deleted (G; older notation c.3193delG).
Protein change: p.Asp1065fs; shifts the reading frame from aspartic acid 1065.
Molecular consequence: frameshift variant.
Genome position (GRCh38, 1-based): chr11:117,396,157, G deleted; the last of 2 consecutive G bases (chr11:117,396,156-117,396,157); deleting either gives the same sequence. VCF-style (leftmost placement, unchanged base first): chr11-117396155-AG-A. GRCh37 (hg19) VCF-style: chr11-117266871-AG-A.
Other names: c.3202del, p.Asp1068fs (NM_001271933.2); short protein forms D1065fs, D1068fs.
Identifiers: ClinVar variation 2153417 (VCV002153417.4), dbSNP rs1249398531, ClinGen allele CA602137555.

ClinVar aggregate classification (germline): Pathogenic (1 of 4 stars; one submission).

Conditions:
Nephronophthisis 15 (NPHP15). Identifiers: Orphanet 3156, MedGen C3541853, MONDO:0013917, OMIM 614845.

Submission:

Labcorp Genetics (formerly Invitae), Labcorp
Classification: Pathogenic for Nephronophthisis 15. Last evaluated: 2022-05-10. Review status: criteria provided, single submitter. Criteria: Invitae Variant Classification Sherloc (09022015). Collection method: clinical testing. Allele origin: germline.
Comment: For these reasons, this variant has been classified as Pathogenic. This variant has not been reported in the literature in individuals affected with CEP164-related conditions. This variant is present in population databases (no rsID available, gnomAD 0.0009%). This sequence change creates a premature translational stop signal (p.Asp1065Thrfs*2) in the CEP164 gene. It is expected to result in an absent or disrupted protein product. Loss-of-function variants in CEP164 are known to be pathogenic (PMID: 22863007, 28125082, 32367404, 34132027, 34499853).

Literature cited by the submitters: PubMed 22863007; PubMed 28125082; PubMed 32367404; PubMed 34132027; PubMed 34499853.